The following is an entry in ClinVar:

ClinVar aggregate classification (germline): Uncertain significance (1 of 4 stars; one submission).

Conditions:
Short-rib thoracic dysplasia 10 with or without polydactyly (SRTD10). Identifiers: Orphanet 474, MedGen C3810175, MONDO:0014284, OMIM 615630.
Retinitis pigmentosa 71 (RP71). Identifiers: Orphanet 791, MedGen C4225342, MONDO:0014618, OMIM 616394.

Allele frequency attached by ClinVar (database versions not stated): TOPMed below 0.00001.

Submission:

Labcorp Genetics (formerly Invitae), Labcorp
Classification: Uncertain significance for Retinitis pigmentosa 71; Short-rib thoracic dysplasia 10 with or without polydactyly. Last evaluated: 2022-03-26. Review status: criteria provided, single submitter. Criteria: Invitae Variant Classification Sherloc (09022015). Collection method: clinical testing. Allele origin: germline.
Comment: In summary, the available evidence is currently insufficient to determine the role of this variant in disease. Therefore, it has been classified as a Variant of Uncertain Significance. Algorithms developed to predict the effect of missense changes on protein structure and function are either unavailable or do not agree on the potential impact of this missense change (SIFT: "Deleterious"; PolyPhen-2: "Probably Damaging"; Align-GVGD: "Class C0"). This variant has not been reported in the literature in individuals affected with IFT172-related conditions. This variant is not present in population databases (gnomAD no frequency). This sequence change replaces asparagine, which is neutral and polar, with lysine, which is basic and polar, at codon 143 of the IFT172 protein (p.Asn143Lys).

NM_015662.3(IFT172):c.429T>G (p.Asn143Lys)

Gene: IFT172 (intraflagellar transport 172; minus strand). Cytogenetic location: 2p23.3.
Variant type: single nucleotide variant.
Coding change: c.429T>G on transcript NM_015662.3 (MANE Select); coding-DNA position 429, T replaced by G.
Protein change: p.Asn143Lys; replaces asparagine 143 with lysine.
Molecular consequence: missense variant.
Genome position (GRCh38, 1-based): chr2:27,483,633, A>C on the plus strand (T>G on the coding strand, the complement: IFT172 is on the minus strand). VCF-style: chr2-27483633-A-C. GRCh37 (hg19) VCF-style: chr2-27706500-A-C.
Other names: c.429T>G, p.Asn143Lys (NM_001410739.1); short protein forms N143K.
Identifiers: ClinVar variation 2182532 (VCV002182532.4), dbSNP rs767828329, ClinGen allele CA346400698.